The following is an entry in ClinVar:

NM_016284.5(CNOT1):c.821G>A (p.Arg274His)

Gene: CNOT1 (CCR4-NOT transcription complex subunit 1; minus strand). Cytogenetic location: 16q21.
Variant type: single nucleotide variant.
Coding change: c.821G>A on transcript NM_016284.5 (MANE Select); coding-DNA position 821, G replaced by A.
Protein change: p.Arg274His; replaces arginine 274 with histidine.
Molecular consequence: missense variant. On other transcripts: non-coding transcript variant (1).
Genome position (GRCh38, 1-based): chr16:58,583,168, C>T on the plus strand (G>A on the coding strand, the complement: CNOT1 is on the minus strand). VCF-style: chr16-58583168-C-T. GRCh37 (hg19) VCF-style: chr16-58617072-C-T.
Other names: c.821G>A, p.Arg274His (NM_001265612.2, NM_206999.3); short protein forms R274H.
Identifiers: ClinVar variation 2097472 (VCV002097472.4), dbSNP rs771536762, ClinGen allele CA8090050.

ClinVar aggregate classification (germline): Uncertain significance (1 of 4 stars; one submission).

Allele frequency attached by ClinVar (database versions not stated): ExAC 0.00001; gnomAD exomes 0.00001.
gnomAD v4.1: 8 of 1,613,690 alleles (0.0005%); highest among the groups gnomAD compares: East Asian, 0.0022%; no homozygotes.

Submission:

Labcorp Genetics (formerly Invitae), Labcorp
Classification: Uncertain significance. Last evaluated: 2022-08-17. Review status: criteria provided, single submitter. Criteria: Invitae Variant Classification Sherloc (09022015). Collection method: clinical testing. Allele origin: germline.
Comment: This sequence change replaces arginine, which is basic and polar, with histidine, which is basic and polar, at codon 274 of the CNOT1 protein (p.Arg274His). This variant is present in population databases (rs771536762, gnomAD 0.0009%). This variant has not been reported in the literature in individuals affected with CNOT1-related conditions. Algorithms developed to predict the effect of missense changes on protein structure and function are either unavailable or do not agree on the potential impact of this missense change (SIFT: "Tolerated"; PolyPhen-2: "Probably Damaging"; Align-GVGD: "Class C0"). In summary, the available evidence is currently insufficient to determine the role of this variant in disease. Therefore, it has been classified as a Variant of Uncertain Significance.